The following is an entry in ClinVar:

ClinVar aggregate classification (germline): Uncertain significance (1 of 4 stars; one submission).

Conditions:
Hereditary cancer-predisposing syndrome. Also called: Neoplastic Syndromes, Hereditary; Hereditary Cancer Syndrome; Tumor predisposition; Hereditary neoplastic syndrome. Identifiers: Orphanet 140162, MedGen C0027672, MeSH D009386, MONDO:0015356.

Submission:

Ambry Genetics
Classification: Uncertain significance for Hereditary cancer-predisposing syndrome. Last evaluated: 2025-01-06. Review status: criteria provided, single submitter. Criteria: Ambry Variant Classification Scheme 2023. Collection method: clinical testing. Allele origin: germline.
Comment: The p.T78S variant (also known as c.232A>T), located in coding exon 2 of the RAD51C gene, results from an A to T substitution at nucleotide position 232. The threonine at codon 78 is replaced by serine, an amino acid with similar properties. This amino acid position is conserved. In addition, this alteration is predicted to be tolerated by in silico analysis. Based on the available evidence, the clinical significance of this variant remains unclear.

NM_058216.3(RAD51C):c.232A>T (p.Thr78Ser)

Gene: RAD51C (RAD51 paralog C; plus strand). Cytogenetic location: 17q22.
Variant type: single nucleotide variant.
Coding change: c.232A>T on transcript NM_058216.3 (MANE Select); coding-DNA position 232, A replaced by T.
Protein change: p.Thr78Ser; replaces threonine 78 with serine.
Molecular consequence: missense variant. On other transcripts: non-coding transcript variant (2).
Genome position (GRCh38, 1-based): chr17:58,695,017, A>T. VCF-style: chr17-58695017-A-T. GRCh37 (hg19) VCF-style: chr17-56772378-A-T.
Other names: c.232A>T, p.Thr78Ser (NM_002876.4); short protein forms T78S.
Identifiers: ClinVar variation 3786491 (VCV003786491.1).